The following is an entry in ClinVar:

NM_001540.5(HSPB1):c.75T>G (p.His25Gln)

Gene: HSPB1 (heat shock protein family B (small) member 1; plus strand). Cytogenetic location: 7q11.23.
Variant type: single nucleotide variant.
Coding change: c.75T>G on transcript NM_001540.5 (MANE Select); coding-DNA position 75, T replaced by G.
Protein change: p.His25Gln; replaces histidine 25 with glutamine.
Molecular consequence: missense variant.
Genome position (GRCh38, 1-based): chr7:76,302,787, T>G. VCF-style: chr7-76302787-T-G. GRCh37 (hg19) VCF-style: chr7-75932104-T-G.
Other names: short protein forms H25Q.
Identifiers: ClinVar variation 2141013 (VCV002141013.4), dbSNP rs374172570, ClinGen allele CA367762854.
Genomic context (GRCh38, chr7:76,302,787, plus strand): 5'-CGTCCCCTTCTCGCTCCTGCGGGGCCCCAGCTGGGACCCCTTCCGCGACTGGTACCCGCA[T>G]AGCCGCCTCTTCGACCAGGCCTTCGGGCTGCCCCGGCTGCCGGAGGAGTGGTCGCAGTGG-3'
Protein context (NP_001531.1, residues 15-35): SWDPFRDWYP[His25Gln]SRLFDQAFGL

ClinVar aggregate classification (germline): Uncertain significance (1 of 4 stars; one submission).

Conditions:
Charcot-Marie-Tooth disease axonal type 2F (CMT2F). Also called: CHARCOT-MARIE-TOOTH DISEASE, NEURONAL, TYPE 2F; Charcot-Marie-Tooth Neuropathy Type 2F. Identifiers: Orphanet 99940, MedGen C1847823, MONDO:0011687, OMIM 606595.

Submission:

Labcorp Genetics (formerly Invitae), Labcorp
Classification: Uncertain significance for Charcot-Marie-Tooth disease axonal type 2F. Last evaluated: 2025-01-13. Review status: criteria provided, single submitter. Criteria: Invitae Variant Classification Sherloc (09022015). Collection method: clinical testing. Allele origin: germline.
Comment: This sequence change replaces histidine, which is basic and polar, with glutamine, which is neutral and polar, at codon 25 of the HSPB1 protein (p.His25Gln). This variant is not present in population databases (gnomAD no frequency). This variant has not been reported in the literature in individuals affected with HSPB1-related conditions. ClinVar contains an entry for this variant (Variation ID: 2141013). Invitae Evidence Modeling of protein sequence and biophysical properties (such as structural, functional, and spatial information, amino acid conservation, physicochemical variation, residue mobility, and thermodynamic stability) indicates that this missense variant is not expected to disrupt HSPB1 protein function with a negative predictive value of 95%. In summary, the available evidence is currently insufficient to determine the role of this variant in disease. Therefore, it has been classified as a Variant of Uncertain Significance.